The following is an entry in ClinVar:

ClinVar aggregate classification (germline): Pathogenic. Review status: criteria provided, multiple submitters, no conflicts (2 of 4 stars). 2 submissions from 2 submitters: Pathogenic (2). Last evaluated 2025-12-13.

Submissions (2):

Labcorp Genetics (formerly Invitae), Labcorp
Classification: Pathogenic. Last evaluated: 2025-12-13. Review status: criteria provided, single submitter. Criteria: Invitae Variant Classification Sherloc (09022015). Collection method: clinical testing. Allele origin: germline.
Comment: This sequence change creates a premature translational stop signal (p.Gln451Hisfs*6) in the MYO7A gene. It is expected to result in an absent or disrupted protein product. Loss-of-function variants in MYO7A are known to be pathogenic (PMID: 8900236, 25404053). This variant is present in population databases (no rsID available, gnomAD 0.003%). This variant has not been reported in the literature in individuals affected with MYO7A-related conditions. ClinVar contains an entry for this variant (Variation ID: 504020). For these reasons, this variant has been classified as Pathogenic.

GeneDx
Classification: Pathogenic. Last evaluated: 2023-07-23. Review status: criteria provided, single submitter. Criteria: GeneDx Variant Classification Process June 2021. Collection method: clinical testing. Allele origin: germline. Affected: yes.
Comment: Frameshift variant predicted to result in protein truncation or nonsense mediated decay in a gene for which loss of function is a known mechanism of disease; Not observed at significant frequency in large population cohorts (gnomAD); Reported in association with Usher syndrome (Hanany et al., 2020); This variant is associated with the following publications: (PMID: 31964843)

Literature cited by the submitters: PubMed 8900236 (cited by Labcorp Genetics (formerly Invitae), Labcorp); PubMed 25404053 (cited by Labcorp Genetics (formerly Invitae), Labcorp).

NM_000260.4(MYO7A):c.1353_1360del (p.Gln451fs)

Gene: MYO7A (myosin VIIA; plus strand). Cytogenetic location: 11q13.5.
Variant type: Deletion.
Coding change: c.1353_1360del on transcript NM_000260.4 (MANE Select); coding-DNA positions 1353 to 1360, 8 bases deleted (GCTCTGCA; older notation c.1353_1360delGCTCTGCA).
Protein change: p.Gln451fs; shifts the reading frame from glutamine 451.
Molecular consequence: frameshift variant.
Genome position (GRCh38, 1-based): chr11:77,162,129-77,162,136, GCTCTGCA deleted; deleting any 8 consecutive bases within chr11:77,162,126-77,162,136 gives the same sequence; the c. name uses the placement nearest the transcript's 3' end. VCF-style (leftmost placement, unchanged base first): chr11-77162125-AGCAGCTCT-A. GRCh37 (hg19) VCF-style: chr11-76873171-AGCAGCTCT-A.
Other names: c.1353_1360del, p.Gln451fs (NM_001127180.2); c.1320_1327del, p.Gln440fs (NM_001369365.1); c.1353_1360del (NM_000260.3); c.1353_1360delGCTCTGCA (NM_000260.3); short protein forms Q440fs, Q451fs.
Identifiers: ClinVar variation 504020 (VCV000504020.9), dbSNP rs1555069242, ClinGen allele CA600343667.
Genomic context (GRCh38, chr11:77,162,125, plus strand): 5'-GAACAGCATGGTGGGGCCTGAACAACACCCTTACCCCATCCCTGTGCCCCTGCAGCTTTG[AGCAGCTCT>A]GCATCAACTTCGCCAATGAGCACCTGCAGCAGTTCTTTGTGCGGCACGTGTTCAAGCTGG-3'